The following is an entry in ClinVar:

NM_014263.4(YME1L1):c.1132A>G (p.Ile378Val)

Gene: YME1L1 (YME1 like 1 ATPase; minus strand). Cytogenetic location: 10p12.1.
Variant type: single nucleotide variant.
Coding change: c.1132A>G on transcript NM_014263.4 (MANE Select); coding-DNA position 1132, A replaced by G.
Protein change: p.Ile378Val; replaces isoleucine 378 with valine.
Molecular consequence: missense variant.
Genome position (GRCh38, 1-based): chr10:27,122,944, T>C on the plus strand (A>G on the coding strand, the complement: YME1L1 is on the minus strand). VCF-style: chr10-27122944-T-C. GRCh37 (hg19) VCF-style: chr10-27411873-T-C.
Other names: c.1033A>G, p.Ile345Val (NM_001253866.2); c.1303A>G, p.Ile435Val (NM_139312.3); short protein forms I378V, I435V, I345V.
Identifiers: ClinVar variation 4771677 (VCV004771677.1).
Genomic context (GRCh38, chr10:27,122,944, plus strand): 5'-ATGGATGCATTGGAGATTCAATTCTCTTCCCACCAACAGAATCTAATTCATCAATAAATA[T>C]AACACAAGGAGCATTCGCCTTTGCTTCCCCTAAGAAAACAAAAAACATTCAAATAAGCTG-3'
Protein context (NP_055078.1, residues 368-388): REAKANAPCV[Ile378Val]FIDELDSVGG

ClinVar aggregate classification (germline): Uncertain significance (1 of 4 stars; one submission).

gnomAD v4.1: 1 of 1,613,192 alleles (0.000062%); highest among the groups gnomAD compares: Non-Finnish European, 0.000085%; no homozygotes.

Submission:

Labcorp Genetics (formerly Invitae), Labcorp
Classification: Uncertain significance. Last evaluated: 2025-08-23. Review status: criteria provided, single submitter. Criteria: Invitae Variant Classification Sherloc (09022015). Collection method: clinical testing. Allele origin: germline.
Comment: This sequence change replaces isoleucine, which is neutral and non-polar, with valine, which is neutral and non-polar, at codon 435 of the YME1L1 protein (p.Ile435Val). This variant is not present in population databases (gnomAD no frequency). This variant has not been reported in the literature in individuals affected with YME1L1-related conditions. An algorithm developed to predict the effect of missense changes on protein structure and function (PolyPhen-2) suggests that this variant is likely to be disruptive. In summary, the available evidence is currently insufficient to determine the role of this variant in disease. Therefore, it has been classified as a Variant of Uncertain Significance.